The following is an entry in ClinVar:

NM_014780.5(CUL7):c.1531G>A (p.Glu511Lys)

Gene: CUL7 (cullin 7; minus strand). Cytogenetic location: 6p21.1.
Variant type: single nucleotide variant.
Coding change: c.1531G>A on transcript NM_014780.5 (MANE Select); coding-DNA position 1531, G replaced by A.
Protein change: p.Glu511Lys; replaces glutamic acid 511 with lysine.
Molecular consequence: missense variant.
Genome position (GRCh38, 1-based): chr6:43,050,001, C>T on the plus strand (G>A on the coding strand, the complement: CUL7 is on the minus strand). VCF-style: chr6-43050001-C-T. GRCh37 (hg19) VCF-style: chr6-43017739-C-T.
Other names: c.1627G>A, p.Glu543Lys (NM_001168370.2, NM_001374872.1); c.1531G>A, p.Glu511Lys (NM_001374873.1, NM_001374874.1); short protein forms E543K, E511K.
Identifiers: ClinVar variation 2997718 (VCV002997718.3), dbSNP rs2532713880, ClinGen allele CA364223418.

ClinVar aggregate classification (germline): Uncertain significance (1 of 4 stars; one submission).

Submission:

Labcorp Genetics (formerly Invitae), Labcorp
Classification: Uncertain significance. Last evaluated: 2023-01-31. Review status: criteria provided, single submitter. Criteria: Invitae Variant Classification Sherloc (09022015). Collection method: clinical testing. Allele origin: germline.
Comment: In summary, the available evidence is currently insufficient to determine the role of this variant in disease. Therefore, it has been classified as a Variant of Uncertain Significance. This sequence change replaces glutamic acid, which is acidic and polar, with lysine, which is basic and polar, at codon 511 of the CUL7 protein (p.Glu511Lys). This variant is not present in population databases (gnomAD no frequency). This variant has not been reported in the literature in individuals affected with CUL7-related conditions. Algorithms developed to predict the effect of missense changes on protein structure and function (SIFT, PolyPhen-2, Align-GVGD) all suggest that this variant is likely to be tolerated. Algorithms developed to predict the effect of sequence changes on RNA splicing suggest that this variant may create or strengthen a splice site.